The following is an entry in ClinVar:

NM_001379200.1(TBX1):c.639G>T (p.Ala213=)

Gene: TBX1 (T-box transcription factor 1; plus strand). Cytogenetic location: 22q11.21.
Variant type: single nucleotide variant.
Coding change: c.639G>T on transcript NM_001379200.1 (MANE Select); coding-DNA position 639, G replaced by T.
Protein change: p.Ala213=; no amino-acid change (alanine 213 retained).
Molecular consequence: synonymous variant.
Genome position (GRCh38, 1-based): chr22:19,764,254, G>T. VCF-style: chr22-19764254-G-T. GRCh37 (hg19) VCF-style: chr22-19751777-G-T.
Other names: c.612G>T, p.Ala204= (NM_005992.1, NM_080646.2, NM_080647.1).
Identifiers: ClinVar variation 750012 (VCV000750012.12), dbSNP rs778071107, ClinGen allele CA10102510.

ClinVar aggregate classification (germline): Likely benign. Review status: criteria provided, multiple submitters, no conflicts (2 of 4 stars). 4 submissions from 4 submitters: Likely benign (4). Last evaluated 2026-02-14.

Conditions:
TBX1-related disorder. Also called: TBX1-Related Disorders; TBX1-related condition.
DiGeorge syndrome. Also called: THIRD AND FOURTH PHARYNGEAL POUCH SYNDROME; Catch22. Identifiers: Orphanet 567, MedGen C0012236, MONDO:0008564, OMIM 188400.
Cardiovascular phenotype. Identifiers: MedGen CN230736.

gnomAD v4.1: 3 of 1,613,406 alleles (0.00019%); highest among the groups gnomAD compares: Admixed American, 0.005%; no homozygotes.

Submissions (4):

PreventionGenetics, part of Exact Sciences
Classification: Likely benign for TBX1-related condition. Last evaluated: 2026-02-14. Review status: criteria provided, single submitter. Criteria: ACMG Guidelines, 2015. Collection method: clinical testing. Allele origin: germline.
Comment: This variant is classified as likely benign based on ACMG/AMP sequence variant interpretation guidelines (Richards et al. 2015 PMID: 25741868, with internal and published modifications).

Labcorp Genetics (formerly Invitae), Labcorp
Classification: Likely benign for DiGeorge syndrome. Last evaluated: 2025-12-02. Review status: criteria provided, single submitter. Criteria: Invitae Variant Classification Sherloc (09022015). Collection method: clinical testing. Allele origin: germline.

Athena Diagnostics
Classification: Likely benign. Last evaluated: 2024-10-07. Review status: criteria provided, single submitter. Criteria: Athena Diagnostics Criteria. Collection method: clinical testing. Allele origin: unknown.

Ambry Genetics
Classification: Likely benign for Cardiovascular phenotype. Last evaluated: 2018-10-11. Review status: criteria provided, single submitter. Criteria: Ambry Variant Classification Scheme 2023. Collection method: clinical testing. Allele origin: germline.